The following is an entry in ClinVar:

NM_001042492.3(NF1):c.752A>G (p.Asp251Gly)

Gene: NF1 (neurofibromin 1; plus strand). Cytogenetic location: 17q11.2.
Variant type: single nucleotide variant.
Coding change: c.752A>G on transcript NM_001042492.3 (MANE Select); coding-DNA position 752, A replaced by G.
Protein change: p.Asp251Gly; replaces aspartic acid 251 with glycine.
Molecular consequence: missense variant.
Genome position (GRCh38, 1-based): chr17:31,182,529, A>G. VCF-style: chr17-31182529-A-G. GRCh37 (hg19) VCF-style: chr17-29509547-A-G.
Other names: c.752A>G, p.Asp251Gly (NM_000267.4, NM_001128147.3); short protein forms D251G.
Identifiers: ClinVar variation 1461082 (VCV001461082.6), dbSNP rs2143785113, ClinGen allele CA398990617.
Genomic context (GRCh38, chr17:31,182,529, plus strand): 5'-TCCTATCTAATAATGTCATTTAATATATTTTTCATGCAGAATGTGCAGAAAAGCTATTTG[A>G]CTTGGTGGATGGTTTTGCTGAAAGCACCAAACGTAAAGCAGCAGTTTGGCCACTACAAAT-3'
Protein context (NP_001035957.1, residues 241-261): DMAECAEKLF[Asp251Gly]LVDGFAESTK

ClinVar aggregate classification (germline): Uncertain significance (1 of 4 stars; one submission).

Conditions:
Neurofibromatosis, type 1 (NF1). Also called: NEUROFIBROMATOSIS, TYPE I, SOMATIC; VON RECKLINGHAUSEN DISEASE; Peripheral type neurofibromatosis; Neurofibromatosis, type I. Identifiers: Orphanet 636, MedGen C0027831, MONDO:0018975, OMIM 162200. Disease mechanism: loss of function.

Submission:

Labcorp Genetics (formerly Invitae), Labcorp
Classification: Uncertain significance for Neurofibromatosis, type 1. Last evaluated: 2022-08-09. Review status: criteria provided, single submitter. Criteria: Invitae Variant Classification Sherloc (09022015). Collection method: clinical testing. Allele origin: germline.
Comment: This variant has not been reported in the literature in individuals affected with NF1-related conditions. In summary, the available evidence is currently insufficient to determine the role of this variant in disease. Therefore, it has been classified as a Variant of Uncertain Significance. Advanced modeling of protein sequence and biophysical properties (such as structural, functional, and spatial information, amino acid conservation, physicochemical variation, residue mobility, and thermodynamic stability) performed at Invitae indicates that this missense variant is expected to disrupt NF1 protein function. ClinVar contains an entry for this variant (Variation ID: 1461082). This variant is not present in population databases (gnomAD no frequency). This sequence change replaces aspartic acid, which is acidic and polar, with glycine, which is neutral and non-polar, at codon 251 of the NF1 protein (p.Asp251Gly).